The following is an entry in ClinVar:

NM_021619.3(PRDM12):c.682+8T>C

Gene: PRDM12 (PR/SET domain 12; plus strand). Cytogenetic location: 9q34.12.
Variant type: single nucleotide variant.
Coding change: c.682+8T>C on transcript NM_021619.3 (MANE Select); 8 bases into the intron after coding-DNA position 682, T replaced by C.
Molecular consequence: intron variant.
Genome position (GRCh38, 1-based): chr9:130,678,648, T>C. VCF-style: chr9-130678648-T-C. GRCh37 (hg19) VCF-style: chr9-133554035-T-C.
Identifiers: ClinVar variation 4847674 (VCV004847674.1).

ClinVar aggregate classification (germline): Likely benign (1 of 4 stars; one submission).

gnomAD v4.1: 65 of 1,590,710 alleles (0.0041%); highest among the groups gnomAD compares: Non-Finnish European, 0.0056%; no homozygotes.

Submission:

Women's Health and Genetics/Laboratory Corporation of America, LabCorp
Classification: Likely benign. Last evaluated: 2026-03-26. Review status: criteria provided, single submitter. Criteria: LabCorp Variant Classification Summary - May 2015. Collection method: clinical testing. Allele origin: germline.
Comment: Variant summary: PRDM12 c.682+8T>C alters a non-conserved nucleotide located at a position not widely known to affect splicing. Consensus agreement among computation tools predict no significant impact on normal splicing. However, these predictions have yet to be confirmed by functional studies. The variant was absent in 248354 control chromosomes. The available data on variant occurrences in the general population are insufficient to allow any conclusion about variant significance. To our knowledge, no occurrence of c.682+8T>C in individuals affected with PRDM12-related conditions and no experimental evidence demonstrating its impact on protein function have been reported. No submitters have cited clinical-significance assessments for this variant to ClinVar. Based on the evidence outlined above, the variant was classified as likely benign.